The following is an entry in ClinVar:

ClinVar aggregate classification (germline): Uncertain significance (1 of 4 stars; one submission).

Conditions:
ALG1-congenital disorder of glycosylation. Also called: CDG Ik; CONGENITAL DISORDER OF GLYCOSYLATION, TYPE Ik; ALG1-CDG. Identifiers: Orphanet 79327, MedGen C2931005, MONDO:0012052, OMIM 608540.

Submission:

Labcorp Genetics (formerly Invitae), Labcorp
Classification: Uncertain significance for ALG1-congenital disorder of glycosylation. Last evaluated: 2021-08-30. Review status: criteria provided, single submitter. Criteria: Invitae Variant Classification Sherloc (09022015). Collection method: clinical testing. Allele origin: germline.
Comment: This sequence change replaces leucine with valine at codon 332 of the ALG1 protein (p.Leu332Val). The leucine residue is moderately conserved and there is a small physicochemical difference between leucine and valine. This variant is not present in population databases (ExAC no frequency). This variant has not been reported in the literature in individuals affected with ALG1-related conditions. Advanced modeling of protein sequence and biophysical properties (such as structural, functional, and spatial information, amino acid conservation, physicochemical variation, residue mobility, and thermodynamic stability) performed at Invitae indicates that this missense variant is expected to disrupt ALG1 protein function. In summary, the available evidence is currently insufficient to determine the role of this variant in disease. Therefore, it has been classified as a Variant of Uncertain Significance.

NM_019109.5(ALG1):c.994C>G (p.Leu332Val)

Gene: ALG1 (ALG1 chitobiosyldiphosphodolichol beta-mannosyltransferase; plus strand). Cytogenetic location: 16p13.3.
Variant type: single nucleotide variant.
Coding change: c.994C>G on transcript NM_019109.5 (MANE Select); coding-DNA position 994, C replaced by G.
Protein change: p.Leu332Val; replaces leucine 332 with valine.
Molecular consequence: missense variant.
Genome position (GRCh38, 1-based): chr16:5,080,978, C>G. VCF-style: chr16-5080978-C-G. GRCh37 (hg19) VCF-style: chr16-5130979-C-G.
Other names: c.661C>G, p.Leu221Val (NM_001330504.2); short protein forms L332V, L221V.
Identifiers: ClinVar variation 1495229 (VCV001495229.5), dbSNP rs1957007425, ClinGen allele CA394672642.